The following is an entry in ClinVar:

ClinVar aggregate classification (germline): Benign/Likely benign. Review status: criteria provided, multiple submitters, no conflicts (2 of 4 stars). 2 submissions from 2 submitters: Benign (1); Likely benign (1). Last evaluated 2026-07-29.

Conditions:
SETX-related disorder. Also called: SETX-related condition; SETX-related disorders. Identifiers: MedGen CN239403.
Amyotrophic lateral sclerosis type 4 (ALS4). Also called: AMYOTROPHIC LATERAL SCLEROSIS 4, JUVENILE; NEURONOPATHY, DISTAL HEREDITARY MOTOR, WITH PYRAMIDAL FEATURES. Identifiers: Orphanet 357043, MedGen C1865409, MONDO:0011223, OMIM 602433.
Spinocerebellar ataxia, autosomal recessive, with axonal neuropathy 2 (SCAN2). Also called: ATAXIA-OCULOMOTOR APRAXIA 2; Ataxia-ocular apraxia-2; Ataxia with Oculomotor Apraxia Type 2; Ataxia with Oculomotor Apraxia. Identifiers: Orphanet 64753, MedGen C1853761, MONDO:0018996, OMIM 606002.

Allele frequency attached by ClinVar (database versions not stated): gnomAD exomes below 0.00001; ExAC 0.00001; TOPMed 0.00001.
gnomAD v4.1: 1 of 1,614,134 alleles (0.000062%); highest among the groups gnomAD compares: Non-Finnish European, 0.000085%; no homozygotes.

Submissions (2):

PreventionGenetics, part of Exact Sciences
Classification: Likely benign for SETX-related condition. Last evaluated: 2026-07-29. Review status: criteria provided, single submitter. Criteria: ACMG Guidelines, 2015. Collection method: clinical testing. Allele origin: germline.
Comment: This variant is classified as likely benign based on ACMG/AMP sequence variant interpretation guidelines (Richards et al. 2015 PMID: 25741868, with internal and published modifications).

Labcorp Genetics (formerly Invitae), Labcorp
Classification: Benign for Amyotrophic lateral sclerosis type 4; Spinocerebellar ataxia, autosomal recessive, with axonal neuropathy 2. Last evaluated: 2024-05-08. Review status: criteria provided, single submitter. Criteria: Invitae Variant Classification Sherloc (09022015). Collection method: clinical testing. Allele origin: germline.

NM_015046.7(SETX):c.4899G>A (p.Ser1633=)

Gene: SETX (senataxin; minus strand). Cytogenetic location: 9q34.13.
Variant type: single nucleotide variant.
Coding change: c.4899G>A on transcript NM_015046.7 (MANE Select); coding-DNA position 4899, G replaced by A.
Protein change: p.Ser1633=; no amino-acid change (serine 1633 retained).
Molecular consequence: synonymous variant.
Genome position (GRCh38, 1-based): chr9:132,326,699, C>T on the plus strand (G>A on the coding strand, the complement: SETX is on the minus strand). VCF-style: chr9-132326699-C-T. GRCh37 (hg19) VCF-style: chr9-135202086-C-T.
Other names: c.4899G>A, p.Ser1633= (NM_001351527.2, NM_001351528.2).
Identifiers: ClinVar variation 2144445 (VCV002144445.5), dbSNP rs760245611, ClinGen allele CA5297115.